The following is an entry in ClinVar:

ClinVar aggregate classification (germline): Uncertain significance (1 of 4 stars; one submission).

Submission:

GeneDx
Classification: Uncertain significance. Last evaluated: 2026-02-13. Review status: criteria provided, single submitter. Criteria: GeneDx Variant Classification Process June 2021. Collection method: clinical testing. Allele origin: germline.
Comment: Not observed at significant frequency in large population cohorts (gnomAD); In silico analysis supports that this missense variant has a deleterious effect on protein structure/function; Has not been previously published as pathogenic or benign to our knowledge

NM_205861.3(DHDDS):c.287T>A (p.Leu96Gln)

Gene: DHDDS (dehydrodolichyl diphosphate synthase subunit; plus strand). Cytogenetic location: 1p36.11.
Variant type: single nucleotide variant.
Coding change: c.287T>A on transcript NM_205861.3 (MANE Select); coding-DNA position 287, T replaced by A.
Protein change: p.Leu96Gln; replaces leucine 96 with glutamine.
Molecular consequence: missense variant.
Genome position (GRCh38, 1-based): chr1:26,442,837, T>A. VCF-style: chr1-26442837-T-A. GRCh37 (hg19) VCF-style: chr1-26769328-T-A.
Other names: c.287T>A, p.Leu96Gln (NM_001243564.2, NM_001243565.2, NM_024887.4); c.8T>A, p.Leu3Gln (NM_001319959.2); short protein forms L3Q, L96Q.
Identifiers: ClinVar variation 5009708 (VCV005009708.1).